The following is an entry in ClinVar:

ClinVar aggregate classification (germline): Uncertain significance (1 of 4 stars; one submission).

Submission:

Labcorp Genetics (formerly Invitae), Labcorp
Classification: Uncertain significance. Last evaluated: 2021-12-11. Review status: criteria provided, single submitter. Criteria: Invitae Variant Classification Sherloc (09022015). Collection method: clinical testing. Allele origin: germline.
Comment: In summary, the available evidence is currently insufficient to determine the role of this variant in disease. Therefore, it has been classified as a Variant of Uncertain Significance. Algorithms developed to predict the effect of missense changes on protein structure and function are either unavailable or do not agree on the potential impact of this missense change (SIFT: "Tolerated"; PolyPhen-2: "Not Available"; Align-GVGD: "Class C0"). This variant has not been reported in the literature in individuals affected with PCDH15-related conditions. This variant is not present in population databases (gnomAD no frequency). This sequence change replaces glycine, which is neutral and non-polar, with valine, which is neutral and non-polar, at codon 1804 of the PCDH15 protein (p.Gly1804Val).

NM_033056.4(PCDH15):c.5411G>T (p.Gly1804Val)

Gene: PCDH15 (protocadherin related 15; minus strand). Cytogenetic location: 10q21.1.
Variant type: single nucleotide variant.
Coding change: c.5411G>T on transcript NM_033056.4 (MANE Plus Clinical); coding-DNA position 5411, G replaced by T.
Protein change: p.Gly1804Val; replaces glycine 1804 with valine.
Molecular consequence: missense variant. On other transcripts: intron variant (8).
Genome position (GRCh38, 1-based): chr10:53,822,315, C>A on the plus strand (G>T on the coding strand, the complement: PCDH15 is on the minus strand). VCF-style: chr10-53822315-C-A. GRCh37 (hg19) VCF-style: chr10-55582075-C-A.
Other names: c.5432G>T, p.Gly1811Val (NM_001142763.2); c.5417G>T, p.Gly1806Val (NM_001142764.2); c.5204G>T, p.Gly1735Val (NM_001142765.2); c.5402G>T, p.Gly1801Val (NM_001142766.2); c.5291G>T, p.Gly1764Val (NM_001142767.2); c.5351G>T, p.Gly1784Val (NM_001142768.2); c.5342G>T, p.Gly1781Val (NM_001142773.2); c.5345G>T, p.Gly1782Val (NM_001354404.2); and 7 more; short protein forms G1811V, G1782V, G1801V, G1804V, G1735V, G1764V, G1781V, G1806V.
Identifiers: ClinVar variation 2040062 (VCV002040062.4), dbSNP rs2492357003, ClinGen allele CA376525001.
Genomic context (GRCh38, chr10:53,822,315, plus strand): 5'-GAAGGAGGTGGTGGAGGAAGAGGAGTTGGAAATGGAGGTAGAAGAGGTGGTGTTGGGGGA[C>A]CAGACGTTGAAACGGAAAGTGGAAAAAATGTAGGAGGAGGAAGAGGAAGAGGGATAGAAG-3'
Protein context (NP_149045.3, residues 1794-1814): TFFPLSVSTS[Gly1804Val]PPTPPLLPPF